The following is an entry in ClinVar:

ClinVar aggregate classification (germline): Likely benign. Review status: criteria provided, multiple submitters, no conflicts (2 of 4 stars). 3 submissions from 3 submitters: Likely benign (3). Last evaluated 2026-01-17.

Allele frequency attached by ClinVar (database versions not stated): TOPMed 0.00016; gnomAD exomes 0.00019; gnomAD 0.00020 and 0.00022; ExAC 0.00026.
gnomAD v4.1: 423 of 1,596,216 alleles (0.027%); highest among the groups gnomAD compares: Non-Finnish European, 0.034%; no homozygotes.

Submissions (3):

Labcorp Genetics (formerly Invitae), Labcorp
Classification: Likely benign. Last evaluated: 2026-01-17. Review status: criteria provided, single submitter. Criteria: Invitae Variant Classification Sherloc (09022015). Collection method: clinical testing. Allele origin: germline.

Blueprint Genetics
Classification: Likely benign. Last evaluated: 2024-11-18. Review status: criteria provided, single submitter. Criteria: ACMG Guidelines, 2015. Collection method: clinical testing. Allele origin: germline.

GeneDx
Classification: Likely benign. Last evaluated: 2017-10-12. Review status: criteria provided, single submitter. Criteria: GeneDx Variant Classification (06012015). Collection method: clinical testing. Allele origin: germline. Affected: yes.
Comment: This variant is considered likely benign or benign based on one or more of the following criteria: it is a conservative change, it occurs at a poorly conserved position in the protein, it is predicted to be benign by multiple in silico algorithms, and/or has population frequency not consistent with disease.

NM_001397406.1(FDX2):c.145+12G>C

Genes: FDX2 (ferredoxin 2; minus strand), FDX2-ZGLP1 (FDX2-ZGLP1 readthrough (NMD candidate); minus strand). Cytogenetic location: 19p13.2.
Variant type: single nucleotide variant.
Coding change: c.145+12G>C on transcript NM_001397406.1 (MANE Select); 12 bases into the intron after coding-DNA position 145, G replaced by C.
Molecular consequence: intron variant.
Genome position (GRCh38, 1-based): chr19:10,315,840, C>G on the plus strand (G>C on the coding strand, the complement: FDX2 is on the minus strand). VCF-style: chr19-10315840-C-G. GRCh37 (hg19) VCF-style: chr19-10426516-C-G.
Identifiers: ClinVar variation 381874 (VCV000381874.10), dbSNP rs780473366, ClinGen allele CA9191338.